The following is an entry in ClinVar:

ClinVar aggregate classification (germline): Uncertain significance (1 of 4 stars; one submission).

Conditions:
Marfan syndrome (MFS). Also called: MARFAN SYNDROME, TYPE I; Marfan syndrome type 1; Marfan's syndrome; Marfan syndrome, classic; FBN1-Related Marfan Syndrome. Identifiers: Orphanet 284963, Orphanet 558, MedGen C0024796, MONDO:0007947, OMIM 154700.

Allele frequency attached by ClinVar (database versions not stated): gnomAD exomes below 0.00001.
gnomAD v4.1: 1 of 1,614,074 alleles (0.000062%); highest among the groups gnomAD compares: Non-Finnish European, 0.000085%; no homozygotes.

Submission:

All of Us Research Program, National Institutes of Health
Classification: Uncertain significance for Marfan syndrome. Last evaluated: 2023-10-02. Review status: criteria provided, single submitter. Criteria: ACMG Guidelines, 2015. Collection method: clinical testing. Allele origin: germline. Inheritance: Autosomal dominant inheritance. Observed: 1 variant allele, 1 heterozygote.
Comment: This missense variant replaces glutamic acid with lysine at codon 755 of the FBN1 protein. Computational prediction is inconclusive regarding the impact of this variant on protein structure and function (internally defined REVEL score threshold 0.5 < inconclusive < 0.7, PMID: 27666373). To our knowledge, functional studies have not been reported for this variant. This variant has not been reported in individuals affected with FBN1-related disorders in the literature. This variant has not been identified in the general population by the Genome Aggregation Database (gnomAD). The available evidence is insufficient to determine the role of this variant in disease conclusively. Therefore, this variant is classified as a Variant of Uncertain Significance.

This study involves interpretation of variants in research participants for the purpose of population health screening. Participant phenotype was not available at the time of variant classification. Additional details can be found in publication PMID: 35346344, PMCID: PMC8962531

NM_000138.5(FBN1):c.2263G>A (p.Glu755Lys)

Gene: FBN1 (fibrillin 1; minus strand). Cytogenetic location: 15q21.1.
Variant type: single nucleotide variant.
Coding change: c.2263G>A on transcript NM_000138.5 (MANE Select); coding-DNA position 2263, G replaced by A.
Protein change: p.Glu755Lys; replaces glutamic acid 755 with lysine.
Molecular consequence: missense variant.
Genome position (GRCh38, 1-based): chr15:48,497,296, C>T on the plus strand (G>A on the coding strand, the complement: FBN1 is on the minus strand). VCF-style: chr15-48497296-C-T. GRCh37 (hg19) VCF-style: chr15-48789493-C-T.
Other names: c.2263G>A, p.Glu755Lys (NM_001406716.1); short protein forms E755K.
Identifiers: ClinVar variation 3073585 (VCV003073585.1), dbSNP rs2505576092, ClinGen allele CA392335644.
Genomic context (GRCh38, chr15:48,497,296, plus strand): 5'-ATGTTTCAGAAAATGGGTAAAACTTCTCACCAACGCAGTTTTTCCCAGTTGAATCCACTT[C>T]ATATCCTGAATTGCATATACATTTATAGGTCCCACGAAGGTTTTCACAGATTCCATTTGG-3'
Protein context (NP_000129.3, residues 745-765): TYKCICNSGY[Glu755Lys]VDSTGKNCVD